The following is an entry in ClinVar:

NM_004104.5(FASN):c.646G>A (p.Asp216Asn)

Gene: FASN (fatty acid synthase; minus strand). Cytogenetic location: 17q25.3.
Variant type: single nucleotide variant.
Coding change: c.646G>A on transcript NM_004104.5 (MANE Select); coding-DNA position 646, G replaced by A.
Protein change: p.Asp216Asn; replaces aspartic acid 216 with asparagine.
Molecular consequence: missense variant.
Genome position (GRCh38, 1-based): chr17:82,093,228, C>T on the plus strand (G>A on the coding strand, the complement: FASN is on the minus strand). VCF-style: chr17-82093228-C-T. GRCh37 (hg19) VCF-style: chr17-80051104-C-T.
Other names: short protein forms D216N.
Identifiers: ClinVar variation 943168 (VCV000943168.8), dbSNP rs144193556, ClinGen allele CA8853468.

ClinVar aggregate classification (germline): Uncertain significance (1 of 4 stars; one submission).

Conditions:
Epileptic encephalopathy. Identifiers: MedGen C0543888, HP:0200134.

Allele frequency attached by ClinVar (database versions not stated): gnomAD 0.00001; gnomAD exomes 0.00001; ExAC 0.00003; TOPMed 0.00003; ESP Exome Variant Server 0.00008.
gnomAD v4.1: 14 of 1,582,154 alleles (0.00088%); highest among the groups gnomAD compares: African/African-American, 0.004%; no homozygotes.

Submission:

Labcorp Genetics (formerly Invitae), Labcorp
Classification: Uncertain significance for Epileptic encephalopathy. Last evaluated: 2025-08-29. Review status: criteria provided, single submitter. Criteria: Invitae Variant Classification Sherloc (09022015). Collection method: clinical testing. Allele origin: germline.
Comment: This sequence change replaces aspartic acid, which is acidic and polar, with asparagine, which is neutral and polar, at codon 216 of the FASN protein (p.Asp216Asn). The frequency data for this variant in the population databases is considered unreliable, as metrics indicate poor data quality at this position in the gnomAD database. This variant has not been reported in the literature in individuals affected with FASN-related conditions. ClinVar contains an entry for this variant (Variation ID: 943168). An algorithm developed to predict the effect of missense changes on protein structure and function (PolyPhen-2) suggests that this variant is likely to be disruptive. In summary, the available evidence is currently insufficient to determine the role of this variant in disease. Therefore, it has been classified as a Variant of Uncertain Significance.